The following is an entry in ClinVar:

ClinVar aggregate classification (germline): Benign. Review status: criteria provided, multiple submitters, no conflicts (2 of 4 stars). 2 submissions from 2 submitters: Benign (2). Last evaluated 2026-08-01.

Submissions (2):

CeGaT Center for Human Genetics Tuebingen
Classification: Benign. Last evaluated: 2026-08-01. Review status: criteria provided, single submitter. Criteria: CeGaT Center For Human Genetics Tuebingen Variant Classification Criteria Version 2. Collection method: clinical testing. Allele origin: germline. Affected: yes. Observed: 3 variant alleles.
Comment: NPAT: PM4:Supporting, BS1, BS2

Labcorp Genetics (formerly Invitae), Labcorp
Classification: Benign. Last evaluated: 2026-02-01. Review status: criteria provided, single submitter. Criteria: Invitae Variant Classification Sherloc (09022015). Collection method: clinical testing. Allele origin: germline.

NM_002519.3(NPAT):c.2173_2175del (p.Ser726del)

Gene: NPAT (nuclear protein, coactivator of histone transcription; minus strand). Cytogenetic location: 11q22.3.
Variant type: Deletion.
Coding change: c.2173_2175del on transcript NM_002519.3 (MANE Select); coding-DNA positions 2173 to 2175, 3 bases deleted (TCT; older notation c.2173_2175delTCT).
Protein change: p.Ser726del; deletes serine 726.
Molecular consequence: inframe deletion.
Genome position (GRCh38, 1-based): chr11:108,172,809-108,172,811, AGA deleted on the plus strand (TCT on the coding strand, the reverse complement: NPAT is on the minus strand); deleting any 3 consecutive bases within chr11:108,172,809-108,172,813 gives the same sequence; the c. name uses the placement nearest the transcript's 3' end. VCF-style (leftmost placement, unchanged base first): chr11-108172808-TAGA-T. GRCh37 (hg19) VCF-style: chr11-108043535-TAGA-T.
Other names: c.2173_2175del, p.Ser726del (NM_001321307.1); c.2173_2175del (NM_002519.2); short protein forms S726del.
Identifiers: ClinVar variation 777858 (VCV000777858.13), dbSNP rs141989202, ClinGen allele CA6263867.
Genomic context (GRCh38, chr11:108,172,808, plus strand): 5'-CACTAATGATAACTTTGAGAGAGACGATATTTGATGCATCTATCTCTGCTGAGTTGTTGC[TAGA>T]AGGTTTATCATCAGTATTTTGGGACTCAGGGTGAGAATCTCCCACTGAAGAACACACAGA-3'